The following is an entry in ClinVar:

NM_001164508.2(NEB):c.7187A>G (p.Asp2396Gly)

Gene: NEB (nebulin; minus strand). Cytogenetic location: 2q23.3.
Variant type: single nucleotide variant.
Coding change: c.7187A>G on transcript NM_001164508.2 (MANE Select); coding-DNA position 7187, A replaced by G.
Protein change: p.Asp2396Gly; replaces aspartic acid 2396 with glycine.
Molecular consequence: missense variant.
Genome position (GRCh38, 1-based): chr2:151,650,614, T>C on the plus strand (A>G on the coding strand, the complement: NEB is on the minus strand). VCF-style: chr2-151650614-T-C. GRCh37 (hg19) VCF-style: chr2-152507128-T-C.
Other names: c.7187A>G, p.Asp2396Gly (NM_001164507.2, NM_001271208.2, NM_004543.5); short protein forms D2396G.
Identifiers: ClinVar variation 3390650 (VCV003390650.1).

ClinVar aggregate classification (germline): Uncertain significance (1 of 4 stars; one submission).

Submission:

GeneDx
Classification: Uncertain significance. Last evaluated: 2024-06-10. Review status: criteria provided, single submitter. Criteria: GeneDx Variant Classification Process June 2021. Collection method: clinical testing. Allele origin: germline. Affected: yes.
Comment: Not observed at significant frequency in large population cohorts (gnomAD); In silico analysis supports that this missense variant has a deleterious effect on protein structure/function; Has not been previously published as pathogenic or benign to our knowledge